The following is an entry in ClinVar:

NM_006904.7(PRKDC):c.11338G>A (p.Ala3780Thr)

Gene: PRKDC (protein kinase, DNA-activated, catalytic subunit; minus strand). Cytogenetic location: 8q11.21.
Variant type: single nucleotide variant.
Coding change: c.11338G>A on transcript NM_006904.7 (MANE Select); coding-DNA position 11338, G replaced by A.
Protein change: p.Ala3780Thr; replaces alanine 3780 with threonine.
Molecular consequence: missense variant.
Genome position (GRCh38, 1-based): chr8:47,782,436, C>T on the plus strand (G>A on the coding strand, the complement: PRKDC is on the minus strand). VCF-style: chr8-47782436-C-T. GRCh37 (hg19) VCF-style: chr8-48694997-C-T.
Other names: c.11338G>A, p.Ala3780Thr (NM_001081640.2); short protein forms A3780T.
Identifiers: ClinVar variation 2081330 (VCV002081330.1), dbSNP rs775298345, ClinGen allele CA4739113.

ClinVar aggregate classification (germline): Uncertain significance (1 of 4 stars; one submission).

Conditions:
Severe combined immunodeficiency due to DNA-PKcs deficiency. Also called: IMMUNODEFICIENCY 26 WITH NEUROLOGIC ABNORMALITIES; Immunodeficiency 26 with or without neurologic abnormalities. Identifiers: Orphanet 317425, MedGen C4014833, MONDO:0014423, OMIM 615966.

Allele frequency attached by ClinVar (database versions not stated): gnomAD 0.00004; TOPMed 0.00005; ExAC 0.00007.
gnomAD v4.1: 88 of 1,598,844 alleles (0.0055%); highest among the groups gnomAD compares: African/African-American, 0.0094%; no homozygotes.

Submission:

Labcorp Genetics (formerly Invitae), Labcorp
Classification: Uncertain significance for Severe combined immunodeficiency due to DNA-PKcs deficiency. Last evaluated: 2021-07-08. Review status: criteria provided, single submitter. Criteria: Invitae Variant Classification Sherloc (09022015). Collection method: clinical testing. Allele origin: germline.
Comment: This sequence change replaces alanine with threonine at codon 3780 of the PRKDC protein (p.Ala3780Thr). The alanine residue is moderately conserved and there is a small physicochemical difference between alanine and threonine. This variant is present in population databases (rs775298345, ExAC 0.04%). This variant has not been reported in the literature in individuals with PRKDC-related conditions. Experimental studies and prediction algorithms are not available or were not evaluated, and the functional significance of this variant is currently unknown. In summary, the available evidence is currently insufficient to determine the role of this variant in disease. Therefore, it has been classified as a Variant of Uncertain Significance.